The following is an entry in ClinVar:

ClinVar aggregate classification (germline): Uncertain significance. Review status: criteria provided, single submitter (1 of 4 stars). 2 submissions from 2 submitters: Uncertain significance (1). 1 of the submissions does not count toward it. Last evaluated 2022-01-12.

Conditions:
TCIRG1-related disorder. Also called: TCIRG1-related condition.

Allele frequency attached by ClinVar (database versions not stated): ExAC 0.00001; gnomAD 0.00002; TOPMed 0.00004; ESP Exome Variant Server 0.00008.
gnomAD v4.1: 31 of 1,600,006 alleles (0.0019%); highest among the groups gnomAD compares: African/African-American, 0.031%; no homozygotes.

Submissions (2):

Labcorp Genetics (formerly Invitae), Labcorp
Classification: Uncertain significance. Last evaluated: 2022-01-12. Review status: criteria provided, single submitter. Criteria: Invitae Variant Classification Sherloc (09022015). Collection method: clinical testing. Allele origin: germline.
Comment: This sequence change replaces alanine, which is neutral and non-polar, with serine, which is neutral and polar, at codon 640 of the TCIRG1 protein (p.Ala640Ser). This variant is not present in population databases (gnomAD no frequency). This variant has not been reported in the literature in individuals affected with TCIRG1-related conditions. Algorithms developed to predict the effect of missense changes on protein structure and function are either unavailable or do not agree on the potential impact of this missense change (SIFT: "Tolerated"; PolyPhen-2: "Probably Damaging"; Align-GVGD: "Class C0"). In summary, the available evidence is currently insufficient to determine the role of this variant in disease. Therefore, it has been classified as a Variant of Uncertain Significance.

PreventionGenetics, part of Exact Sciences
Classification: Uncertain significance for TCIRG1-related condition. Last evaluated: 2024-02-06. Review status: no assertion criteria provided. Collection method: clinical testing. Allele origin: germline. Not counted in ClinVar's aggregate classification.
Comment: The TCIRG1 c.1918G>T variant is predicted to result in the amino acid substitution p.Ala640Ser. To our knowledge, this variant has not been reported in the literature. This variant is reported in 0.0068% of alleles in individuals of African descent in gnomAD. At this time, the clinical significance of this variant is uncertain due to the absence of conclusive functional and genetic evidence.

NM_006019.4(TCIRG1):c.1918G>T (p.Ala640Ser)

Gene: TCIRG1 (T cell immune regulator 1, ATPase H+ transporting V0 subunit a3; plus strand). Cytogenetic location: 11q13.2.
Variant type: single nucleotide variant.
Coding change: c.1918G>T on transcript NM_006019.4 (MANE Select); coding-DNA position 1918, G replaced by T.
Protein change: p.Ala640Ser; replaces alanine 640 with serine.
Molecular consequence: missense variant.
Genome position (GRCh38, 1-based): chr11:68,049,693, G>T. VCF-style: chr11-68049693-G-T. GRCh37 (hg19) VCF-style: chr11-67817160-G-T.
Other names: c.1024G>T, p.Ala342Ser (NM_001351059.2); c.1270G>T, p.Ala424Ser (NM_006053.4); c.1918G>T (NM_006019.3); short protein forms A424S, A342S, A640S.
Identifiers: ClinVar variation 2162564 (VCV002162564.3), dbSNP rs145538370, ClinGen allele CA6147322.